The following is an entry in ClinVar:

NM_032242.4(PLXNA1):c.2792G>A (p.Arg931His)

Gene: PLXNA1 (plexin A1; plus strand). Cytogenetic location: 3q21.3.
Variant type: single nucleotide variant.
Coding change: c.2792G>A on transcript NM_032242.4 (MANE Select); coding-DNA position 2792, G replaced by A.
Protein change: p.Arg931His; replaces arginine 931 with histidine.
Molecular consequence: missense variant.
Genome position (GRCh38, 1-based): chr3:127,014,746, G>A. VCF-style: chr3-127014746-G-A. GRCh37 (hg19) VCF-style: chr3-126733589-G-A.
Other names: short protein forms R931H.
Identifiers: ClinVar variation 4978957 (VCV004978957.1).
Genomic context (GRCh38, chr3:127,014,746, plus strand): 5'-GCCCCTGAGGCCCGCCTGCCCACAGGATCGTCTGTGAGATCGGGGACGCCAGCTCCGTGC[G>A]TGCCCATGACGCCCTGGTGGAGGTGTGTGTGCGGGACTGCTCACCACACTACCGCGCCCT-3'
Protein context (NP_115618.3, residues 921-941): VCEIGDASSV[Arg931His]AHDALVEVCV

ClinVar aggregate classification (germline): Uncertain significance (1 of 4 stars; one submission).

Conditions:
PLXNA1-related disorder. Also called: PLXNA1-related condition.

gnomAD v4.1: 19 of 1,612,136 alleles (0.0012%); highest among the groups gnomAD compares: South Asian, 0.0099%; 1 homozygote.

Submission:

PreventionGenetics, part of Exact Sciences
Classification: Uncertain significance for PLXNA1-related condition. Last evaluated: 2025-01-12. Review status: criteria provided, single submitter. Criteria: ACMG Guidelines, 2015. Collection method: clinical testing. Allele origin: germline.
Comment: The PLXNA1 c.2792G>A variant is predicted to result in the amino acid substitution p.Arg931His. To our knowledge, this variant has not been reported in the literature. This variant is reported in 0.013% of alleles in individuals of South Asian descent in gnomAD. At this time, the clinical significance of this variant is uncertain due to the absence of conclusive functional and genetic evidence.